The following is an entry in ClinVar:

NM_001375524.1(TRRAP):c.2010T>G (p.Ile670Met)

Gene: TRRAP (transformation/transcription domain associated protein; plus strand). Cytogenetic location: 7q22.1.
Variant type: single nucleotide variant.
Coding change: c.2010T>G on transcript NM_001375524.1 (MANE Select); coding-DNA position 2010, T replaced by G.
Protein change: p.Ile670Met; replaces isoleucine 670 with methionine.
Molecular consequence: missense variant.
Genome position (GRCh38, 1-based): chr7:98,912,024, T>G. VCF-style: chr7-98912024-T-G. GRCh37 (hg19) VCF-style: chr7-98509647-T-G.
Other names: c.2010T>G, p.Ile670Met (NM_001244580.2, NM_003496.4); short protein forms I670M.
Identifiers: ClinVar variation 3364904 (VCV003364904.1).
Genomic context (GRCh38, chr7:98,912,024, plus strand): 5'-TCTTAAAACTGCTTTGGGGAAGGGATTAATTTTTCACATGTGTTTCTTGTATTGACAGAT[T>G]GTTGCCAATTCCTTCTTGGCAAATCCTACTACCTCTGCTCTGTTTGCTACGATTCTGGTG-3'
Protein context (NP_001362453.1, residues 660-680): ERISKNYALQ[Ile670Met]VANSFLANPT

ClinVar aggregate classification (germline): Uncertain significance (1 of 4 stars; one submission).

Submission:

GeneDx
Classification: Uncertain significance. Last evaluated: 2023-11-30. Review status: criteria provided, single submitter. Criteria: GeneDx Variant Classification Process June 2021. Collection method: clinical testing. Allele origin: germline. Affected: yes.
Comment: Not observed at significant frequency in large population cohorts (gnomAD); In silico analysis supports that this missense variant does not alter protein structure/function; Has not been previously published as pathogenic or benign to our knowledge